The following is an entry in ClinVar:

NM_004380.3(CREBBP):c.2832A>G (p.Ser944=)

Gene: CREBBP (CREB binding lysine acetyltransferase; minus strand). Cytogenetic location: 16p13.3.
Variant type: single nucleotide variant.
Coding change: c.2832A>G on transcript NM_004380.3 (MANE Select); coding-DNA position 2832, A replaced by G.
Protein change: p.Ser944=; no amino-acid change (serine 944 retained).
Molecular consequence: synonymous variant.
Genome position (GRCh38, 1-based): chr16:3,770,618, T>C on the plus strand (A>G on the coding strand, the complement: CREBBP is on the minus strand). VCF-style: chr16-3770618-T-C. GRCh37 (hg19) VCF-style: chr16-3820619-T-C.
Other names: c.2718A>G, p.Ser906= (NM_001079846.1).
Identifiers: ClinVar variation 4991656 (VCV004991656.1).

ClinVar aggregate classification (germline): Likely benign (1 of 4 stars; one submission).

Conditions:
CREBBP-related disorder. Also called: CREBBP-related condition; CREBBP-related disorders.

gnomAD v4.1: 45 of 1,613,792 alleles (0.0028%); no homozygotes.

Submission:

PreventionGenetics, part of Exact Sciences
Classification: Likely benign for CREBBP-related condition. Last evaluated: 2025-11-06. Review status: criteria provided, single submitter. Criteria: ACMG Guidelines, 2015. Collection method: clinical testing. Allele origin: germline.
Comment: This variant is classified as likely benign based on ACMG/AMP sequence variant interpretation guidelines (Richards et al. 2015 PMID: 25741868, with internal and published modifications).